The following is an entry in ClinVar:

ClinVar aggregate classification (germline): Uncertain significance. Review status: criteria provided, multiple submitters, no conflicts (2 of 4 stars). 2 submissions from 2 submitters: Uncertain significance (2). Last evaluated 2023-05-11.

Conditions:
EGFR-related lung cancer (EGFR). Identifiers: MedGen CN130014.
Lung carcinoma. Identifiers: MedGen C0684249, MONDO:0005138.

Allele frequency attached by ClinVar (database versions not stated): TOPMed 0.00002.

Submissions (2):

Labcorp Genetics (formerly Invitae), Labcorp
Classification: Uncertain significance for EGFR-related lung cancer. Last evaluated: 2023-05-11. Review status: criteria provided, single submitter. Criteria: Invitae Variant Classification Sherloc (09022015). Collection method: clinical testing. Allele origin: germline.
Comment: In summary, the available evidence is currently insufficient to determine the role of this variant in disease. Therefore, it has been classified as a Variant of Uncertain Significance. Advanced modeling of protein sequence and biophysical properties (such as structural, functional, and spatial information, amino acid conservation, physicochemical variation, residue mobility, and thermodynamic stability) has been performed at Invitae for this missense variant, however the output from this modeling did not meet the statistical confidence thresholds required to predict the impact of this variant on EGFR protein function. ClinVar contains an entry for this variant (Variation ID: 584696). This variant has not been reported in the literature in individuals affected with EGFR-related conditions. This variant is not present in population databases (gnomAD no frequency). This sequence change replaces glutamic acid, which is acidic and polar, with glutamine, which is neutral and polar, at codon 829 of the EGFR protein (p.Glu829Gln).

Mendelics
Classification: Uncertain significance for Lung cancer. Last evaluated: 2019-05-28. Review status: criteria provided, single submitter. Criteria: Mendelics Assertion Criteria 2017. Collection method: clinical testing. Allele origin: unknown.

NM_005228.5(EGFR):c.2485G>C (p.Glu829Gln)

Gene: EGFR (epidermal growth factor receptor; plus strand). Cytogenetic location: 7p11.2.
Variant type: single nucleotide variant.
Coding change: c.2485G>C on transcript NM_005228.5 (MANE Select); coding-DNA position 2485, G replaced by C.
Protein change: p.Glu829Gln; replaces glutamic acid 829 with glutamine.
Molecular consequence: missense variant.
Genome position (GRCh38, 1-based): chr7:55,191,734, G>C. VCF-style: chr7-55191734-G-C. GRCh37 (hg19) VCF-style: chr7-55259427-G-C.
Other names: c.2350G>C, p.Glu784Gln (NM_001346897.2, NM_001346899.2); c.2485G>C, p.Glu829Gln (NM_001346898.2); c.2326G>C, p.Glu776Gln (NM_001346900.2); c.1684G>C, p.Glu562Gln (NM_001346941.2); short protein forms E829Q, E562Q, E784Q, E776Q.
Identifiers: ClinVar variation 584696 (VCV000584696.8), dbSNP rs1489158055, ClinGen allele CA367580097.
Genomic context (GRCh38, chr7:55,191,734, plus strand): 5'-TCCCATGATGATCTGTCCCTCACAGCAGGGTCTTCTCTGTTTCAGGGCATGAACTACTTG[G>C]AGGACCGTCGCTTGGTGCACCGCGACCTGGCAGCCAGGAACGTACTGGTGAAAACACCGC-3'
Protein context (NP_005219.2, residues 819-839): VQIAKGMNYL[Glu829Gln]DRRLVHRDLA